The following is an entry in ClinVar:

ClinVar aggregate classification (germline): Uncertain significance (1 of 4 stars; one submission).

Conditions:
KAT5-related disorder. Also called: KAT5-related condition.

Submission:

PreventionGenetics, part of Exact Sciences
Classification: Uncertain significance for KAT5-related condition. Last evaluated: 2025-11-21. Review status: criteria provided, single submitter. Criteria: ACMG Guidelines, 2015. Collection method: clinical testing. Allele origin: germline.
Comment: The KAT5 c.1498T>G variant is predicted to result in the amino acid substitution p.Tyr500Asp. To our knowledge, this variant has not been reported in the literature or in a large population database (gnomAD), indicating this variant is rare. At this time, the clinical significance of this variant is uncertain due to the absence of conclusive functional and genetic evidence.

NM_182710.3(KAT5):c.1498T>G (p.Tyr500Asp)

Genes: KAT5 (lysine acetyltransferase 5; plus strand), RNASEH2C (ribonuclease H2 subunit C; minus strand). Cytogenetic location: 11q13.1.
Variant type: single nucleotide variant.
Coding change: c.1498T>G on transcript NM_182710.3 (MANE Select); coding-DNA position 1498, T replaced by G.
Protein change: p.Tyr500Asp; replaces tyrosine 500 with aspartic acid.
Molecular consequence: missense variant. On other transcripts: 3 prime UTR variant (1).
Genome position (GRCh38, 1-based): chr11:65,718,946, T>G. VCF-style: chr11-65718946-T-G. GRCh37 (hg19) VCF-style: chr11-65486417-T-G.
Other names: c.1342T>G, p.Tyr448Asp (NM_001206833.2); c.1399T>G, p.Tyr467Asp (NM_006388.4); c.1243T>G, p.Tyr415Asp (NM_182709.3); c.*837A>C (NM_032193.4); short protein forms Y467D, Y415D, Y448D, Y500D.
Identifiers: ClinVar variation 4988280 (VCV004988280.1).